The following is an entry in ClinVar:

NM_001606.5(ABCA2):c.6309C>T (p.Gly2103=)

Gene: ABCA2 (ATP binding cassette subfamily A member 2; minus strand). Cytogenetic location: 9q34.3.
Variant type: single nucleotide variant.
Coding change: c.6309C>T on transcript NM_001606.5 (MANE Select); coding-DNA position 6309, C replaced by T.
Protein change: p.Gly2103=; no amino-acid change (glycine 2103 retained).
Molecular consequence: synonymous variant.
Genome position (GRCh38, 1-based): chr9:137,010,237, G>A on the plus strand (C>T on the coding strand, the complement: ABCA2 is on the minus strand). VCF-style: chr9-137010237-G-A. GRCh37 (hg19) VCF-style: chr9-139904689-G-A.
Other names: c.6399C>T, p.Gly2133= (NM_212533.3).
Identifiers: ClinVar variation 744703 (VCV000744703.29), dbSNP rs778465935, ClinGen allele CA5353655.

ClinVar aggregate classification (germline): Likely benign. Review status: criteria provided, multiple submitters, no conflicts (2 of 4 stars). 4 submissions from 4 submitters: Likely benign (4). Last evaluated 2024-11-19.

Allele frequency attached by ClinVar (database versions not stated): gnomAD exomes 0.00015 and 0.00026; gnomAD 0.00016 and 0.00018; TOPMed 0.00019; ExAC 0.00037.
gnomAD v4.1: 251 of 1,603,802 alleles (0.016%); highest among the groups gnomAD compares: Middle Eastern, 0.26%; 2 homozygotes.

Submissions (4):

Blueprint Genetics
Classification: Likely benign. Last evaluated: 2024-11-19. Review status: criteria provided, single submitter. Criteria: ACMG Guidelines, 2015. Collection method: clinical testing. Allele origin: germline.

CeGaT Center for Human Genetics Tuebingen
Classification: Likely benign. Last evaluated: 2022-08-01. Review status: criteria provided, single submitter. Criteria: CeGaT Center For Human Genetics Tuebingen Variant Classification Criteria Version 2. Collection method: clinical testing. Allele origin: germline. Affected: yes. Observed: 1 variant allele.
Comment: ABCA2: BP4, BP7

Labcorp Genetics (formerly Invitae), Labcorp
Classification: Likely benign. Last evaluated: 2018-11-27. Review status: criteria provided, single submitter. Criteria: Invitae Variant Classification Sherloc (09022015). Collection method: clinical testing. Allele origin: germline.

Breakthrough Genomics
Classification: Likely benign. Review status: criteria provided, single submitter. Criteria: ACMG Guidelines, 2015. Collection method: not provided. Allele origin: germline. Inheritance: Autosomal recessive inheritance. Affected: yes.